The following is an entry in ClinVar:

ClinVar aggregate classification (germline): Conflicting classifications of pathogenicity. Review status: criteria provided, conflicting classifications (1 of 4 stars). 3 submissions from 3 submitters: Uncertain significance (1); Likely benign (2). Last evaluated 2026-05-01.

Conditions:
Charcot-Marie-Tooth disease type 4. Also called: Charcot-Marie-Tooth disease, type IV; Charcot-Marie-Tooth, Type 4. Identifiers: Orphanet 64749, MedGen C4082197, MONDO:0018995.

Allele frequency attached by ClinVar (database versions not stated): gnomAD exomes 0.00002.
gnomAD v4.1: 22 of 1,614,126 alleles (0.0014%); highest among the groups gnomAD compares: Non-Finnish European, 0.0019%; no homozygotes.

Submissions (3):

CeGaT Center for Human Genetics Tuebingen
Classification: Uncertain significance. Last evaluated: 2026-05-01. Review status: criteria provided, single submitter. Criteria: CeGaT Center For Human Genetics Tuebingen Variant Classification Criteria Version 2. Collection method: clinical testing. Allele origin: germline. Affected: yes. Observed: 1 variant allele.
Comment: FIG4: PM2, BP4

Mayo Clinic Laboratories, Mayo Clinic
Classification: Likely benign. Last evaluated: 2025-03-26. Review status: criteria provided, single submitter. Criteria: ACMG Guidelines, 2015. Collection method: clinical testing. Allele origin: germline. Observed: 1 variant allele.
Comment: BP4, BP7

Labcorp Genetics (formerly Invitae), Labcorp
Classification: Likely benign for Charcot-Marie-Tooth disease type 4. Last evaluated: 2025-02-07. Review status: criteria provided, single submitter. Criteria: Invitae Variant Classification Sherloc (09022015). Collection method: clinical testing. Allele origin: germline.

NM_014845.6(FIG4):c.2668C>T (p.Leu890=)

Gene: FIG4 (FIG4 phosphoinositide 5-phosphatase; plus strand). Cytogenetic location: 6q21.
Variant type: single nucleotide variant.
Coding change: c.2668C>T on transcript NM_014845.6 (MANE Select); coding-DNA position 2668, C replaced by T.
Protein change: p.Leu890=; no amino-acid change (leucine 890 retained).
Molecular consequence: synonymous variant.
Genome position (GRCh38, 1-based): chr6:109,825,209, C>T. VCF-style: chr6-109825209-C-T. GRCh37 (hg19) VCF-style: chr6-110146412-C-T.
Other names: p.Leu890=; c.2668C>T (NM_014845.5).
Identifiers: ClinVar variation 1082146 (VCV001082146.12), dbSNP rs922260214, ClinGen allele CA145157478.